The following is an entry in ClinVar:

NM_006015.6(ARID1A):c.6305C>A (p.Pro2102His)

Gene: ARID1A (AT-rich interaction domain 1A; plus strand). Cytogenetic location: 1p36.11.
Variant type: single nucleotide variant.
Coding change: c.6305C>A on transcript NM_006015.6 (MANE Select); coding-DNA position 6305, C replaced by A.
Protein change: p.Pro2102His; replaces proline 2102 with histidine.
Molecular consequence: missense variant.
Genome position (GRCh38, 1-based): chr1:26,780,203, C>A. VCF-style: chr1-26780203-C-A. GRCh37 (hg19) VCF-style: chr1-27106694-C-A.
Other names: c.5654C>A, p.Pro1885His (NM_139135.4); short protein forms P2102H, P1885H.
Identifiers: ClinVar variation 2757329 (VCV002757329.3), dbSNP rs2124147752, ClinGen allele CA339191559.

ClinVar aggregate classification (germline): Uncertain significance (1 of 4 stars; one submission).

Submission:

Labcorp Genetics (formerly Invitae), Labcorp
Classification: Uncertain significance. Last evaluated: 2023-09-01. Review status: criteria provided, single submitter. Criteria: Invitae Variant Classification Sherloc (09022015). Collection method: clinical testing. Allele origin: germline.
Comment: This variant is not present in population databases (gnomAD no frequency). This sequence change replaces proline, which is neutral and non-polar, with histidine, which is basic and polar, at codon 2102 of the ARID1A protein (p.Pro2102His). This variant has not been reported in the literature in individuals affected with ARID1A-related conditions. In summary, the available evidence is currently insufficient to determine the role of this variant in disease. Therefore, it has been classified as a Variant of Uncertain Significance. Advanced modeling of protein sequence and biophysical properties (such as structural, functional, and spatial information, amino acid conservation, physicochemical variation, residue mobility, and thermodynamic stability) performed at Invitae indicates that this missense variant is expected to disrupt ARID1A protein function.